The following is an entry in ClinVar:

ClinVar aggregate classification (germline): Uncertain significance (1 of 4 stars; one submission).

Allele frequency attached by ClinVar (database versions not stated): gnomAD exomes below 0.00001.
gnomAD v4.1: 1 of 1,614,058 alleles (0.000062%); highest among the groups gnomAD compares: Non-Finnish European, 0.000085%; no homozygotes.

Submission:

Labcorp Genetics (formerly Invitae), Labcorp
Classification: Uncertain significance. Last evaluated: 2023-02-06. Review status: criteria provided, single submitter. Criteria: Invitae Variant Classification Sherloc (09022015). Collection method: clinical testing. Allele origin: germline.
Comment: In summary, the available evidence is currently insufficient to determine the role of this variant in disease. Therefore, it has been classified as a Variant of Uncertain Significance. Advanced modeling of protein sequence and biophysical properties (such as structural, functional, and spatial information, amino acid conservation, physicochemical variation, residue mobility, and thermodynamic stability) performed at Invitae indicates that this missense variant is not expected to disrupt HIVEP2 protein function. This variant has not been reported in the literature in individuals affected with HIVEP2-related conditions. This variant is not present in population databases (gnomAD no frequency). This sequence change replaces alanine, which is neutral and non-polar, with glycine, which is neutral and non-polar, at codon 745 of the HIVEP2 protein (p.Ala745Gly).

NM_006734.4(HIVEP2):c.2234C>G (p.Ala745Gly)

Gene: HIVEP2 (HIVEP zinc finger 2; minus strand). Cytogenetic location: 6q24.2.
Variant type: single nucleotide variant.
Coding change: c.2234C>G on transcript NM_006734.4 (MANE Select); coding-DNA position 2234, C replaced by G.
Protein change: p.Ala745Gly; replaces alanine 745 with glycine.
Molecular consequence: missense variant.
Genome position (GRCh38, 1-based): chr6:142,772,505, G>C on the plus strand (C>G on the coding strand, the complement: HIVEP2 is on the minus strand). VCF-style: chr6-142772505-G-C. GRCh37 (hg19) VCF-style: chr6-143093642-G-C.
Other names: short protein forms A745G.
Identifiers: ClinVar variation 2809309 (VCV002809309.3), dbSNP rs2482840933, ClinGen allele CA365910650.